The following is an entry in ClinVar:

NM_004006.3(DMD):c.9286+3A>T

Gene: DMD (dystrophin; minus strand). Cytogenetic location: Xp21.2.
Variant type: single nucleotide variant.
Coding change: c.9286+3A>T on transcript NM_004006.3 (MANE Select); 3 bases into the intron after coding-DNA position 9286, A replaced by T.
Molecular consequence: intron variant.
Genome position (GRCh38, 1-based): chrX:31,260,952, T>A on the plus strand (A>T on the coding strand, the complement: DMD is on the minus strand). VCF-style: chrX-31260952-T-A. GRCh37 (hg19) VCF-style: chrX-31279069-T-A.
Other names: c.9262+3A>T (NM_000109.4); c.5263+3A>T (NM_004011.4); c.5254+3A>T (NM_004012.4); c.1906+3A>T (NM_004023.3, NM_004020.4, NM_004022.3 and 2 more transcripts); c.1099+3A>T (NM_004014.3); c.82+3A>T (NM_004018.3, NM_004017.3, NM_004016.3 and 2 more transcripts); c.9274+3A>T (NM_004009.3); c.8917+3A>T (NM_004010.3).
Identifiers: ClinVar variation 852367 (VCV000852367.8), dbSNP rs2050453653, ClinGen allele CA916081245.
Genomic context (GRCh38, chrX:31,260,952, plus strand): 5'-AAACTACTTTATCCTAAAGGTCACCTGTCATTTAACTTGGAGGAAACATGGCCATGTCCT[T>A]ACCTAAAGACTGGTAGAGCTCTGTCATTTTGGGATGGTCCCAGCAAGTTGTTTGAGTCTC-3'

ClinVar aggregate classification (germline): Uncertain significance (1 of 4 stars; one submission).

Conditions:
Duchenne muscular dystrophy (DMD). Also called: Duchenne Muscular Dystrophy (DMD); MUSCULAR DYSTROPHY, PSEUDOHYPERTROPHIC PROGRESSIVE, DUCHENNE TYPE. Identifiers: Orphanet 98896, MedGen C0013264, MONDO:0010679, OMIM 310200.

Submission:

Labcorp Genetics (formerly Invitae), Labcorp
Classification: Uncertain significance for Duchenne muscular dystrophy. Last evaluated: 2025-04-26. Review status: criteria provided, single submitter. Criteria: Invitae Variant Classification Sherloc (09022015). Collection method: clinical testing. Allele origin: germline.
Comment: This sequence change falls in intron 63 of the DMD gene. It does not directly change the encoded amino acid sequence of the DMD protein. It affects a nucleotide within the consensus splice site. This variant is not present in population databases (gnomAD no frequency). This variant has been observed in individual(s) with DMD-related conditions (PMID: 33644936; internal data). ClinVar contains an entry for this variant (Variation ID: 852367). Variants that disrupt the consensus splice site are a relatively common cause of aberrant splicing (PMID: 17576681, 9536098). Algorithms developed to predict the effect of sequence changes on RNA splicing suggest that this variant may disrupt the consensus splice site. In summary, the available evidence is currently insufficient to determine the role of this variant in disease. Therefore, it has been classified as a Variant of Uncertain Significance.

Literature cited by the submitters: PubMed 33644936; PubMed 17576681; PubMed 9536098.